The following is an entry in ClinVar:

ClinVar aggregate classification (germline): Uncertain significance (1 of 4 stars; one submission).

Conditions:
Alpha-N-acetylgalactosaminidase deficiency type 1. Also called: SCHINDLER DISEASE, TYPE I; ALPHA-N-ACETYLGALACTOSAMINIDASE DEFICIENCY, TYPE I; NAGA DEFICIENCY, TYPE I; NEUROAXONAL DYSTROPHY, SCHINDLER TYPE. Identifiers: Orphanet 3137, Orphanet 79279, Orphanet 79281, MedGen C1836544, MONDO:0012221, OMIM 609241.

gnomAD v4.1: 3 of 1,614,064 alleles (0.00019%); highest among the groups gnomAD compares: Middle Eastern, 0.016%; no homozygotes.

Submission:

Labcorp Genetics (formerly Invitae), Labcorp
Classification: Uncertain significance for Alpha-N-acetylgalactosaminidase deficiency type 1. Last evaluated: 2025-10-13. Review status: criteria provided, single submitter. Criteria: Invitae Variant Classification Sherloc (09022015). Collection method: clinical testing. Allele origin: germline.
Comment: This sequence change replaces leucine, which is neutral and non-polar, with valine, which is neutral and non-polar, at codon 280 of the NAGA protein (p.Leu280Val). This variant is present in population databases (no rsID available, gnomAD no frequency). This variant has not been reported in the literature in individuals affected with NAGA-related conditions. ClinVar contains an entry for this variant (Variation ID: 1970727). Invitae Evidence Modeling of protein sequence and biophysical properties (such as structural, functional, and spatial information, amino acid conservation, physicochemical variation, residue mobility, and thermodynamic stability) indicates that this missense variant is expected to disrupt NAGA protein function with a positive predictive value of 80%. In summary, the available evidence is currently insufficient to determine the role of this variant in disease. Therefore, it has been classified as a Variant of Uncertain Significance.

NM_000262.3(NAGA):c.838C>G (p.Leu280Val)

Gene: NAGA (alpha-N-acetylgalactosaminidase; minus strand). Cytogenetic location: 22q13.2.
Variant type: single nucleotide variant.
Coding change: c.838C>G on transcript NM_000262.3 (MANE Select); coding-DNA position 838, C replaced by G.
Protein change: p.Leu280Val; replaces leucine 280 with valine.
Molecular consequence: missense variant.
Genome position (GRCh38, 1-based): chr22:42,062,946, G>C on the plus strand (C>G on the coding strand, the complement: NAGA is on the minus strand). VCF-style: chr22-42062946-G-C. GRCh37 (hg19) VCF-style: chr22-42458950-G-C.
Other names: c.838C>G, p.Leu280Val (NM_001362848.1, NM_001362850.1); short protein forms L280V.
Identifiers: ClinVar variation 1970727 (VCV001970727.5), dbSNP rs578127376, ClinGen allele CA324654214.
Genomic context (GRCh38, chr22:42,062,946, plus strand): 5'-GATTCTGCAGAATGTCCATGTTCTGGGCGGAGATGGTACGCAGGTCTGTGGACATCAAGA[G>C]GGGGGCTGCCAGCACCGTCCACAGGGCCATCTGGGCCCGGGATTGCTCTAAGCTGAGACC-3'
Protein context (NP_000253.1, residues 270-290): MALWTVLAAP[Leu280Val]LMSTDLRTIS